The following is an entry in ClinVar:

ClinVar aggregate classification (germline): Uncertain significance. Review status: criteria provided, multiple submitters, no conflicts (2 of 4 stars). 3 submissions from 3 submitters: Uncertain significance (3). Last evaluated 2026-08-27.

Conditions:
Inborn genetic diseases. Identifiers: MedGen C0950123, MeSH D030342.
Jeune thoracic dystrophy. Also called: Infantile thoracic dystrophy; Thoracic pelvic phalangeal dystrophy; Jeune's syndrome; Chondroectodermal dysplasia-like syndrome; Short-rib thoracic dysplasia; Jeune syndrome. Identifiers: Orphanet 474, MedGen C0265275, MONDO:0018770.

Allele frequency attached by ClinVar (database versions not stated): gnomAD 0.00010; 1000 Genomes Project 30x 0.00016; 1000 Genomes Project 0.00020; TOPMed 0.00026; ESP Exome Variant Server 0.00042.
gnomAD v4.1: 49 of 1,612,930 alleles (0.003%); highest among the groups gnomAD compares: African/African-American, 0.035%; no homozygotes.

Submissions (3):

Ambry Genetics
Classification: Uncertain significance for Inborn genetic diseases. Last evaluated: 2026-08-27. Review status: criteria provided, single submitter. Criteria: Ambry Variant Classification Scheme 2023. Collection method: clinical testing. Allele origin: germline.

Blueprint Genetics
Classification: Uncertain significance. Last evaluated: 2024-07-17. Review status: criteria provided, single submitter. Criteria: ACMG Guidelines, 2015. Collection method: clinical testing. Allele origin: germline.

Labcorp Genetics (formerly Invitae), Labcorp
Classification: Uncertain significance for Jeune thoracic dystrophy. Last evaluated: 2022-07-26. Review status: criteria provided, single submitter. Criteria: Invitae Variant Classification Sherloc (09022015). Collection method: clinical testing. Allele origin: germline.
Comment: This sequence change replaces arginine, which is basic and polar, with histidine, which is basic and polar, at codon 4191 of the DYNC2H1 protein (p.Arg4191His). This variant is present in population databases (rs200913028, gnomAD 0.06%). This variant has not been reported in the literature in individuals affected with DYNC2H1-related conditions. ClinVar contains an entry for this variant (Variation ID: 654605). Advanced modeling of protein sequence and biophysical properties (such as structural, functional, and spatial information, amino acid conservation, physicochemical variation, residue mobility, and thermodynamic stability) performed at Invitae indicates that this missense variant is expected to disrupt DYNC2H1 protein function. In summary, the available evidence is currently insufficient to determine the role of this variant in disease. Therefore, it has been classified as a Variant of Uncertain Significance.

NM_001377.3(DYNC2H1):c.12551G>A (p.Arg4184His)

Gene: DYNC2H1 (dynein cytoplasmic 2 heavy chain 1; plus strand). Cytogenetic location: 11q22.3.
Variant type: single nucleotide variant.
Coding change: c.12551G>A on transcript NM_001377.3 (MANE Select); coding-DNA position 12551, G replaced by A.
Protein change: p.Arg4184His; replaces arginine 4184 with histidine.
Molecular consequence: missense variant.
Genome position (GRCh38, 1-based): chr11:103,455,280, G>A. VCF-style: chr11-103455280-G-A. GRCh37 (hg19) VCF-style: chr11-103326008-G-A.
Other names: c.12572G>A, p.Arg4191His (NM_001080463.2); short protein forms R4184H, R4191H.
Identifiers: ClinVar variation 654605 (VCV000654605.9), dbSNP rs200913028, ClinGen allele CA6255596.